The following is an entry in ClinVar:

NM_015311.3(OBSL1):c.4861A>G (p.Arg1621Gly)

Gene: OBSL1 (obscurin like cytoskeletal adaptor 1; minus strand). Cytogenetic location: 2q35.
Variant type: single nucleotide variant.
Coding change: c.4861A>G on transcript NM_015311.3 (MANE Select); coding-DNA position 4861, A replaced by G.
Protein change: p.Arg1621Gly; replaces arginine 1621 with glycine.
Molecular consequence: missense variant.
Genome position (GRCh38, 1-based): chr2:219,554,489, T>C on the plus strand (A>G on the coding strand, the complement: OBSL1 is on the minus strand). VCF-style: chr2-219554489-T-C. GRCh37 (hg19) VCF-style: chr2-220419211-T-C.
Other names: c.4861A>G (NM_015311.2); short protein forms R1621G.
Identifiers: ClinVar variation 1041559 (VCV001041559.10), dbSNP rs372526149, ClinGen allele CA2130412.
Genomic context (GRCh38, chr2:219,554,489, plus strand): 5'-GGGCCACACAGGTCAGCAGGCAGGCTGTGGTCCTGGAGGCCACACCTCTCACAATGAGTC[T>C]GGCTGCGCAGCGCAGGGAATCCGCTGTGAAGGAGACACAGCCTGAGTCGGCCAGGCCCAG-3'
Protein context (NP_056126.1, residues 1611-1631): FTADSLRCAA[Arg1621Gly]LIVREVPVTI

ClinVar aggregate classification (germline): Uncertain significance. Review status: criteria provided, multiple submitters, no conflicts (2 of 4 stars). 2 submissions from 2 submitters: Uncertain significance (2). Last evaluated 2024-02-14.

Conditions:
Inborn genetic diseases. Identifiers: MedGen C0950123, MeSH D030342.

Allele frequency attached by ClinVar (database versions not stated): gnomAD exomes below 0.00001 and 0.00001; ExAC 0.00001; TOPMed 0.00003; gnomAD 0.00004; ESP Exome Variant Server 0.00008.
gnomAD v4.1: 8 of 1,613,084 alleles (0.0005%); highest among the groups gnomAD compares: African/African-American, 0.011%; no homozygotes.

Submissions (2):

Ambry Genetics
Classification: Uncertain significance for Inborn genetic diseases. Last evaluated: 2024-02-14. Review status: criteria provided, single submitter. Criteria: Ambry Variant Classification Scheme 2023. Collection method: clinical testing. Allele origin: germline.

Labcorp Genetics (formerly Invitae), Labcorp
Classification: Uncertain significance. Last evaluated: 2022-06-27. Review status: criteria provided, single submitter. Criteria: Invitae Variant Classification Sherloc (09022015). Collection method: clinical testing. Allele origin: germline.
Comment: This variant has not been reported in the literature in individuals affected with OBSL1-related conditions. ClinVar contains an entry for this variant (Variation ID: 1041559). Algorithms developed to predict the effect of missense changes on protein structure and function are either unavailable or do not agree on the potential impact of this missense change (SIFT: "Deleterious"; PolyPhen-2: "Benign"; Align-GVGD: "Class C0"). In summary, the available evidence is currently insufficient to determine the role of this variant in disease. Therefore, it has been classified as a Variant of Uncertain Significance. This variant is present in population databases (rs372526149, gnomAD 0.01%). This sequence change replaces arginine, which is basic and polar, with glycine, which is neutral and non-polar, at codon 1621 of the OBSL1 protein (p.Arg1621Gly).